The following is an entry in ClinVar:

ClinVar aggregate classification (germline): Likely benign (1 of 4 stars; one submission).

Submission:

CeGaT Center for Human Genetics Tuebingen
Classification: Likely benign. Last evaluated: 2026-07-01. Review status: criteria provided, single submitter. Criteria: CeGaT Center For Human Genetics Tuebingen Variant Classification Criteria Version 2. Collection method: clinical testing. Allele origin: germline. Affected: yes. Observed: 1 variant allele.
Comment: PRR12: PM2:Supporting, BP4, BP7

NM_020719.3(PRR12):c.4509G>T (p.Pro1503=)

Gene: PRR12 (proline rich 12; plus strand). Cytogenetic location: 19q13.33.
Variant type: single nucleotide variant.
Coding change: c.4509G>T on transcript NM_020719.3 (MANE Select); coding-DNA position 4509, G replaced by T.
Protein change: p.Pro1503=; no amino-acid change (proline 1503 retained).
Molecular consequence: synonymous variant.
Genome position (GRCh38, 1-based): chr19:49,601,654, G>T. VCF-style: chr19-49601654-G-T. GRCh37 (hg19) VCF-style: chr19-50104911-G-T.
Identifiers: ClinVar variation 5040084 (VCV005040084.1).